The following is an entry in ClinVar:

ClinVar aggregate classification (germline): Uncertain significance. Review status: criteria provided, multiple submitters, no conflicts (2 of 4 stars). 2 submissions from 2 submitters: Uncertain significance (2). Last evaluated 2026-01-27.

Conditions:
RAI1-related disorder. Also called: RAI1-related condition.

Allele frequency attached by ClinVar (database versions not stated): TOPMed below 0.00001.

Submissions (2):

PreventionGenetics, part of Exact Sciences
Classification: Uncertain significance for RAI1-related condition. Last evaluated: 2026-01-27. Review status: criteria provided, single submitter. Criteria: ACMG Guidelines, 2015. Collection method: clinical testing. Allele origin: germline.
Comment: The RAI1 c.3412G>A variant is predicted to result in the amino acid substitution p.Gly1138Ser. To our knowledge, this variant has not been reported in the literature or in a large population database (gnomAD), indicating this variant is rare. At this time, the clinical significance of this variant is uncertain due to the absence of conclusive functional and genetic evidence.

Labcorp Genetics (formerly Invitae), Labcorp
Classification: Uncertain significance. Last evaluated: 2024-10-24. Review status: criteria provided, single submitter. Criteria: Invitae Variant Classification Sherloc (09022015). Collection method: clinical testing. Allele origin: germline.
Comment: This sequence change replaces glycine, which is neutral and non-polar, with serine, which is neutral and polar, at codon 1138 of the RAI1 protein (p.Gly1138Ser). This variant is not present in population databases (gnomAD no frequency). This variant has not been reported in the literature in individuals affected with RAI1-related conditions. ClinVar contains an entry for this variant (Variation ID: 1715754). Invitae Evidence Modeling of protein sequence and biophysical properties (such as structural, functional, and spatial information, amino acid conservation, physicochemical variation, residue mobility, and thermodynamic stability) indicates that this missense variant is not expected to disrupt RAI1 protein function with a negative predictive value of 80%. In summary, the available evidence is currently insufficient to determine the role of this variant in disease. Therefore, it has been classified as a Variant of Uncertain Significance.

NM_030665.4(RAI1):c.3412G>A (p.Gly1138Ser)

Gene: RAI1 (retinoic acid induced 1; plus strand). Cytogenetic location: 17p11.2.
Variant type: single nucleotide variant.
Coding change: c.3412G>A on transcript NM_030665.4 (MANE Select); coding-DNA position 3412, G replaced by A.
Protein change: p.Gly1138Ser; replaces glycine 1138 with serine.
Molecular consequence: missense variant.
Genome position (GRCh38, 1-based): chr17:17,796,360, G>A. VCF-style: chr17-17796360-G-A. GRCh37 (hg19) VCF-style: chr17-17699674-G-A.
Other names: c.3412G>A (NM_030665.3); short protein forms G1138S.
Identifiers: ClinVar variation 1715754 (VCV001715754.6), dbSNP rs896792179, ClinGen allele CA288370376.